The following is an entry in ClinVar:

ClinVar aggregate classification (germline): Uncertain significance. Review status: criteria provided, multiple submitters, no conflicts (2 of 4 stars). 2 submissions from 2 submitters: Uncertain significance (2). Last evaluated 2022-11-08.

Conditions:
Hypertrophic cardiomyopathy. Also called: HYPERTROPHIC MYOCARDIOPATHY. Identifiers: Orphanet 217569, MedGen C0007194, MeSH D002312, MONDO:0005045, HP:0001639.

Submissions (2):

Labcorp Genetics (formerly Invitae), Labcorp
Classification: Uncertain significance for Hypertrophic cardiomyopathy. Last evaluated: 2022-11-08. Review status: criteria provided, single submitter. Criteria: Invitae Variant Classification Sherloc (09022015). Collection method: clinical testing. Allele origin: germline.
Comment: This sequence change replaces alanine, which is neutral and non-polar, with proline, which is neutral and non-polar, at codon 1637 of the MYH7 protein (p.Ala1637Pro). This variant is not present in population databases (gnomAD no frequency). This variant has not been reported in the literature in individuals affected with MYH7-related conditions. ClinVar contains an entry for this variant (Variation ID: 525029). Advanced modeling of protein sequence and biophysical properties (such as structural, functional, and spatial information, amino acid conservation, physicochemical variation, residue mobility, and thermodynamic stability) performed at Invitae indicates that this missense variant is expected to disrupt MYH7 protein function. In summary, the available evidence is currently insufficient to determine the role of this variant in disease. Therefore, it has been classified as a Variant of Uncertain Significance.

Revvity Omics, Revvity
Classification: Uncertain significance. Last evaluated: 2019-01-11. Review status: criteria provided, single submitter. Criteria: ACMG Guidelines, 2015. Collection method: clinical testing. Allele origin: germline.

NM_000257.4(MYH7):c.4909G>C (p.Ala1637Pro)

Genes: MHRT (myosin heavy chain associated RNA transcript; plus strand), MYH7 (myosin heavy chain 7; minus strand), LOC126861897 (BRD4-independent group 4 enhancer GRCh37_chr14:23884455-23885654; plus strand). Cytogenetic location: 14q11.2.
Variant type: single nucleotide variant.
Coding change: c.4909G>C on transcript NM_000257.4 (MANE Select); coding-DNA position 4909, G replaced by C.
Protein change: p.Ala1637Pro; replaces alanine 1637 with proline.
Molecular consequence: missense variant. On other transcripts: non-coding transcript variant (1).
Genome position (GRCh38, 1-based): chr14:23,416,048, C>G on the plus strand (G>C on the coding strand, the complement: MYH7 is on the minus strand). VCF-style: chr14-23416048-C-G. GRCh37 (hg19) VCF-style: chr14-23885257-C-G.
Other names: c.4909G>C (NM_000257.2); short protein forms A1637P.
Identifiers: ClinVar variation 525029 (VCV000525029.11), dbSNP rs141122361, ClinGen allele CA389037377.